The following is an entry in ClinVar:

ClinVar aggregate classification (germline): Pathogenic (1 of 4 stars; one submission).

Submission:

GeneDx
Classification: Pathogenic. Last evaluated: 2024-02-13. Review status: criteria provided, single submitter. Criteria: GeneDx Variant Classification Process June 2021. Collection method: clinical testing. Allele origin: germline. Affected: yes.
Comment: Not observed at significant frequency in large population cohorts (gnomAD); In silico analysis supports that this missense variant has a deleterious effect on protein structure/function; This variant is associated with the following publications: (PMID: 36408368)

NM_017588.3(WDR5):c.586C>T (p.Arg196Cys)

Gene: WDR5 (WD repeat domain 5; plus strand). Cytogenetic location: 9q34.2.
Variant type: single nucleotide variant.
Coding change: c.586C>T on transcript NM_017588.3 (MANE Select); coding-DNA position 586, C replaced by T.
Protein change: p.Arg196Cys; replaces arginine 196 with cysteine.
Molecular consequence: missense variant.
Genome position (GRCh38, 1-based): chr9:134,151,984, C>T. VCF-style: chr9-134151984-C-T. GRCh37 (hg19) VCF-style: chr9-137017106-C-T.
Other names: c.586C>T, p.Arg196Cys (NM_001384409.1, NM_001384410.1, NM_001384411.1 and 5 more transcripts); c.583C>T, p.Arg195Cys (NM_001384416.1); c.577C>T, p.Arg193Cys (NM_001384417.1); c.457C>T, p.Arg153Cys (NM_001384418.1, NM_001384419.1); short protein forms R153C, R193C, R195C, R196C.
Identifiers: ClinVar variation 3369045 (VCV003369045.1).